The following is an entry in ClinVar:

NM_001077418.3(TMEM231):c.488T>C (p.Phe163Ser)

Gene: TMEM231 (transmembrane protein 231; minus strand). Cytogenetic location: 16q23.1.
Variant type: single nucleotide variant.
Coding change: c.488T>C on transcript NM_001077418.3 (MANE Select); coding-DNA position 488, T replaced by C.
Protein change: p.Phe163Ser; replaces phenylalanine 163 with serine.
Molecular consequence: missense variant. On other transcripts: non-coding transcript variant (1).
Genome position (GRCh38, 1-based): chr16:75,545,446, A>G on the plus strand (T>C on the coding strand, the complement: TMEM231 is on the minus strand). VCF-style: chr16-75545446-A-G. GRCh37 (hg19) VCF-style: chr16-75579344-A-G.
Other names: c.647T>C, p.Phe216Ser (NM_001077416.2); short protein forms F163S, F216S.
Identifiers: ClinVar variation 1418264 (VCV001418264.4), dbSNP rs566395744, ClinGen allele CA8176175.
Genomic context (GRCh38, chr16:75,545,446, plus strand): 5'-GGCTGCTTCTGCTGCAGCCTCAGGTCTCCGTTCACGTATAACTGGGATCCCGGGACAGGA[A>G]AGGAGGACTGGAGAAACGCCATGCTCTGCATCACGAGGGTCGCCATCCTCTGAAATCATT-3'
Protein context (NP_001070886.1, residues 153-173): MQSMAFLQSS[Phe163Ser]PVPGSQLYVN

ClinVar aggregate classification (germline): Uncertain significance. Review status: criteria provided, multiple submitters, no conflicts (2 of 4 stars). 2 submissions from 2 submitters: Uncertain significance (2). Last evaluated 2024-01-29.

Conditions:
Meckel syndrome, type 11 (MKS11). Identifiers: Orphanet 564, MedGen C3809352, MONDO:0014164, OMIM 615397.
Joubert syndrome 20 (JBTS20). Identifiers: Orphanet 475, MedGen C3554235, MONDO:0013994, OMIM 614970.

Allele frequency attached by ClinVar (database versions not stated): gnomAD exomes below 0.00001 and 0.00002; gnomAD 0.00001 and 0.00003; TOPMed 0.00001; ExAC 0.00004; 1000 Genomes Project 0.00060; 1000 Genomes Project 30x 0.00062.
gnomAD v4.1: 11 of 1,604,014 alleles (0.00069%); highest among the groups gnomAD compares: East Asian, 0.025%; no homozygotes.

Submissions (2):

Fulgent Genetics
Classification: Uncertain significance for Joubert syndrome 20; Meckel syndrome, type 11. Last evaluated: 2024-01-29. Review status: criteria provided, single submitter. Criteria: ACMG Guidelines, 2015. Collection method: clinical testing. Allele origin: germline.

Labcorp Genetics (formerly Invitae), Labcorp
Classification: Uncertain significance for Joubert syndrome 20; Meckel syndrome, type 11. Last evaluated: 2021-11-02. Review status: criteria provided, single submitter. Criteria: Invitae Variant Classification Sherloc (09022015). Collection method: clinical testing. Allele origin: germline.
Comment: This sequence change replaces phenylalanine, which is neutral and non-polar, with serine, which is neutral and polar, at codon 216 of the TMEM231 protein (p.Phe216Ser). The frequency data for this variant in the population databases is considered unreliable, as metrics indicate poor data quality at this position in the gnomAD database. This variant has not been reported in the literature in individuals affected with TMEM231-related conditions. Algorithms developed to predict the effect of missense changes on protein structure and function are either unavailable or do not agree on the potential impact of this missense change (SIFT: "Tolerated"; PolyPhen-2: "Not Available"; Align-GVGD: "Class C0"). In summary, the available evidence is currently insufficient to determine the role of this variant in disease. Therefore, it has been classified as a Variant of Uncertain Significance.